The following is an entry in ClinVar:

ClinVar aggregate classification (germline): Uncertain significance. Review status: criteria provided, multiple submitters, no conflicts (2 of 4 stars). 2 submissions from 2 submitters: Uncertain significance (2). Last evaluated 2024-03-19.

Conditions:
Hereditary cancer-predisposing syndrome. Also called: Neoplastic Syndromes, Hereditary; Tumor predisposition; Hereditary Cancer Syndrome; Hereditary neoplastic syndrome. Identifiers: Orphanet 140162, MedGen C0027672, MeSH D009386, MONDO:0015356.
Bloom syndrome (BLM). Also called: Bloom-Torre-Machacek syndrome. Identifiers: Orphanet 125, MedGen C0005859, MONDO:0008876, OMIM 210900.

Submissions (2):

Labcorp Genetics (formerly Invitae), Labcorp
Classification: Uncertain significance for Bloom syndrome. Last evaluated: 2024-03-19. Review status: criteria provided, single submitter. Criteria: Invitae Variant Classification Sherloc (09022015). Collection method: clinical testing. Allele origin: germline.
Comment: This sequence change replaces proline, which is neutral and non-polar, with threonine, which is neutral and polar, at codon 30 of the BLM protein (p.Pro30Thr). This variant is not present in population databases (gnomAD no frequency). This variant has not been reported in the literature in individuals affected with BLM-related conditions. ClinVar contains an entry for this variant (Variation ID: 1765037). An algorithm developed to predict the effect of missense changes on protein structure and function (PolyPhen-2) suggests that this variant is likely to be disruptive. In summary, the available evidence is currently insufficient to determine the role of this variant in disease. Therefore, it has been classified as a Variant of Uncertain Significance.

Ambry Genetics
Classification: Uncertain significance for Hereditary cancer-predisposing syndrome. Last evaluated: 2022-08-31. Review status: criteria provided, single submitter. Criteria: Ambry Variant Classification Scheme 2023. Collection method: clinical testing. Allele origin: germline.
Comment: The p.P30T variant (also known as c.88C>A), located in coding exon 1 of the BLM gene, results from a C to A substitution at nucleotide position 88. The proline at codon 30 is replaced by threonine, an amino acid with highly similar properties. This amino acid position is conserved. In addition, this alteration is predicted to be tolerated by in silico analysis. Since supporting evidence is limited at this time, the clinical significance of this alteration remains unclear.

NM_000057.4(BLM):c.88C>A (p.Pro30Thr)

Gene: BLM (BLM RecQ like helicase; plus strand). Cytogenetic location: 15q26.1.
Variant type: single nucleotide variant.
Coding change: c.88C>A on transcript NM_000057.4 (MANE Select); coding-DNA position 88, C replaced by A.
Protein change: p.Pro30Thr; replaces proline 30 with threonine.
Molecular consequence: missense variant. On other transcripts: 5 prime UTR variant (1).
Genome position (GRCh38, 1-based): chr15:90,747,480, C>A. VCF-style: chr15-90747480-C-A. GRCh37 (hg19) VCF-style: chr15-91290710-C-A.
Other names: c.-1204C>A (NM_001287248.2); c.88C>A, p.Pro30Thr (NM_001287246.2, NM_001287247.2); short protein forms P30T.
Identifiers: ClinVar variation 1765037 (VCV001765037.4), dbSNP rs2151145103, ClinGen allele CA393839006.